The following is an entry in ClinVar:

ClinVar aggregate classification (germline): Uncertain significance (1 of 4 stars; one submission).

Submission:

Labcorp Genetics (formerly Invitae), Labcorp
Classification: Uncertain significance. Last evaluated: 2024-05-07. Review status: criteria provided, single submitter. Criteria: Invitae Variant Classification Sherloc (09022015). Collection method: clinical testing. Allele origin: germline.
Comment: This sequence change falls in intron 14 of the POLE gene. It does not directly change the encoded amino acid sequence of the POLE protein. Information on the frequency of this variant in the gnomAD database is not available, as this variant may be reported differently in the database. This variant has not been reported in the literature in individuals affected with POLE-related conditions. ClinVar contains an entry for this variant (Variation ID: 1513966). In summary, the available evidence is currently insufficient to determine the role of this variant in disease. Therefore, it has been classified as a Variant of Uncertain Significance.

NM_006231.4(POLE):c.1473+15_1473+16delinsGT

Gene: POLE (DNA polymerase epsilon, catalytic subunit; minus strand). Cytogenetic location: 12q24.33.
Variant type: Indel.
Coding change: c.1473+15_1473+16delinsGT on transcript NM_006231.4 (MANE Select); bases 15 to 16 of the intron after coding-DNA position 1473, TC replaced by GT.
Molecular consequence: intron variant.
Genome position (GRCh38, 1-based): chr12:132,673,148-132,673,149, GA replaced by AC on the plus strand (TC replaced by GT on the coding strand, the reverse complement: POLE is on the minus strand). VCF-style: chr12-132673148-GA-AC. GRCh37 (hg19) VCF-style: chr12-133249734-GA-AC.
Identifiers: ClinVar variation 1513966 (VCV001513966.8), dbSNP rs2135995472, ClinGen allele CA2573148316.